The following is an entry in ClinVar:

ClinVar aggregate classification (germline): Pathogenic/Likely pathogenic. Review status: criteria provided, multiple submitters, no conflicts (2 of 4 stars). 4 submissions from 4 submitters: Pathogenic (1); Likely pathogenic (3). Last evaluated 2024-12-02.

Conditions:
Congenital myasthenic syndrome (CMS). Also called: Congenital Myasthenic Syndromes. Identifiers: Orphanet 590, MedGen C0751882, MeSH D020294, MONDO:0018940.
Congenital myasthenic syndrome 4B. Also called: Myasthenic syndrome, congenital, 4b, fast-channel. Identifiers: Orphanet 590, MedGen C4225369, MONDO:0014586, OMIM 616324.
Congenital myasthenic syndrome 4A. Also called: Myasthenic syndrome, congenital, 4a, slow-channel; MYASTHENIC SYNDROME, CONGENITAL, 4A, SLOW-CHANNEL, AUTOSOMAL RECESSIVE; CONGENITAL MYASTHENIC SYNDROME TYPE Ia1. Identifiers: Orphanet 590, MedGen C4225413, MONDO:0011600, OMIM 605809.
Congenital myasthenic syndrome 4C (CMS4C). Also called: Myasthenic syndrome, congenital, associated with acetylcholine receptor deficiency. Identifiers: Orphanet 590, MedGen C1837091, MONDO:0012157, OMIM 608931.

Allele frequency attached by ClinVar (database versions not stated): gnomAD exomes 0.00001.
gnomAD v4.1: 7 of 1,607,446 alleles (0.00044%); highest among the groups gnomAD compares: East Asian, 0.0067%; no homozygotes.

Submissions (4):

Natera, Inc.
Classification: Likely pathogenic for Congenital myasthenic syndrome. Last evaluated: 2024-12-02. Review status: criteria provided, single submitter. Criteria: Natera Variant Classification Schema (03/2026). Collection method: clinical testing. Allele origin: germline.
Comment: The c.1220-2A>G variant in CHRNE is a canonical splice acceptor site variant predicted to affect pre-mRNA splicing, which may result in an abnormal transcript and altered protein product. This variant is expected to result in nonsense mediated decay, truncation, or a dysfunctional protein product. This variant is rare in the general population with a frequency below the threshold expected for the associated phenotype(s). Given the available evidence, this variant is classified as Likely Pathogenic.

Fulgent Genetics
Classification: Likely pathogenic for Congenital myasthenic syndrome 4A; Congenital myasthenic syndrome 4C; Congenital myasthenic syndrome 4B. Last evaluated: 2024-02-20. Review status: criteria provided, single submitter. Criteria: ACMG Guidelines, 2015. Collection method: clinical testing. Allele origin: germline.

Baylor Genetics
Classification: Pathogenic for Congenital myasthenic syndrome 4A. Last evaluated: 2023-11-23. Review status: criteria provided, single submitter. Criteria: ACMG Guidelines, 2015. Collection method: clinical testing. Allele origin: unknown.

Labcorp Genetics (formerly Invitae), Labcorp
Classification: Likely pathogenic for Congenital myasthenic syndrome 4A. Last evaluated: 2022-03-10. Review status: criteria provided, single submitter. Criteria: Invitae Variant Classification Sherloc (09022015). Collection method: clinical testing. Allele origin: germline.
Comment: In summary, the currently available evidence indicates that the variant is pathogenic, but additional data are needed to prove that conclusively. Therefore, this variant has been classified as Likely Pathogenic. Algorithms developed to predict the effect of sequence changes on RNA splicing suggest that this variant may disrupt the consensus splice site. ClinVar contains an entry for this variant (Variation ID: 631777). This variant has not been reported in the literature in individuals affected with CHRNE-related conditions. This variant is not present in population databases (gnomAD no frequency). This sequence change affects an acceptor splice site in intron 10 of the CHRNE gene. It is expected to disrupt RNA splicing. Variants that disrupt the donor or acceptor splice site typically lead to a loss of protein function (PMID: 16199547), and loss-of-function variants in CHRNE are known to be pathogenic (PMID: 22678886).

Literature cited by the submitters: PubMed 16199547 (cited by Labcorp Genetics (formerly Invitae), Labcorp); PubMed 22678886 (cited by Labcorp Genetics (formerly Invitae), Labcorp).

NM_000080.4(CHRNE):c.1220-2A>G

Gene: CHRNE (cholinergic receptor nicotinic epsilon subunit; minus strand). Cytogenetic location: 17p13.2.
Variant type: single nucleotide variant.
Coding change: c.1220-2A>G on transcript NM_000080.4 (MANE Select); the canonical splice acceptor site of the intron before coding-DNA position 1220, A replaced by G.
Molecular consequence: splice acceptor variant.
Genome position (GRCh38, 1-based): chr17:4,899,109, T>C on the plus strand (A>G on the coding strand, the complement: CHRNE is on the minus strand). VCF-style: chr17-4899109-T-C. GRCh37 (hg19) VCF-style: chr17-4802404-T-C.
Identifiers: ClinVar variation 631777 (VCV000631777.19), dbSNP rs1309292778, ClinGen allele CA397298773.